The following is an entry in ClinVar:

ClinVar aggregate classification (germline): Uncertain significance. Review status: criteria provided, multiple submitters, no conflicts (2 of 4 stars). 4 submissions from 4 submitters: Uncertain significance (4). Last evaluated 2026-01-02.

Conditions:
Hereditary cancer-predisposing syndrome. Also called: Hereditary Cancer Syndrome; Hereditary neoplastic syndrome; Neoplastic Syndromes, Hereditary; Tumor predisposition. Identifiers: Orphanet 140162, MedGen C0027672, MeSH D009386, MONDO:0015356.
Hereditary nonpolyposis colorectal neoplasms. Identifiers: MedGen C0009405, MeSH D003123.
Lynch syndrome 4 (LYNCH4). Also called: Colorectal cancer, hereditary nonpolyposis, type 4; Hereditary non-polyposis colorectal cancer, type 4. Identifiers: Orphanet 144, MedGen C1838333, MONDO:0013699, OMIM 614337. Disease mechanism: loss of function.

Allele frequency attached by ClinVar (database versions not stated): gnomAD exomes below 0.00001; TOPMed below 0.00001; ExAC 0.00002.

Submissions (4):

Labcorp Genetics (formerly Invitae), Labcorp
Classification: Uncertain significance for Hereditary nonpolyposis colorectal neoplasms. Last evaluated: 2026-01-02. Review status: criteria provided, single submitter. Criteria: Invitae Variant Classification Sherloc (09022015). Collection method: clinical testing. Allele origin: germline.
Comment: This sequence change replaces histidine, which is basic and polar, with tyrosine, which is neutral and polar, at codon 852 of the PMS2 protein (p.His852Tyr). The frequency data for this variant in the population databases (gnomAD) is considered unreliable due to the presence of homologous sequence, such as pseudogenes or paralogs, in the genome. This variant has not been reported in the literature in individuals affected with PMS2-related conditions. ClinVar contains an entry for this variant (Variation ID: 455704). Invitae Evidence Modeling incorporating data from in vitro experimental studies (internal data) indicates that this missense variant is not expected to disrupt PMS2 function with a negative predictive value of 95%. In summary, the available evidence is currently insufficient to determine the role of this variant in disease. Therefore, it has been classified as a Variant of Uncertain Significance.

Ambry Genetics
Classification: Uncertain significance for Hereditary cancer-predisposing syndrome. Last evaluated: 2024-04-24. Review status: criteria provided, single submitter. Criteria: Ambry Variant Classification Scheme 2023. Collection method: clinical testing. Allele origin: germline.
Comment: The p.H852Y variant (also known as c.2554C>T), located in coding exon 15 of the PMS2 gene, results from a C to T substitution at nucleotide position 2554. The histidine at codon 852 is replaced by tyrosine, an amino acid with similar properties. This amino acid position is highly conserved in available vertebrate species. In addition, this alteration is predicted to be deleterious by in silico analysis. Based on the available evidence, the clinical significance of this variant remains unclear.

GeneDx
Classification: Uncertain significance. Last evaluated: 2023-11-20. Review status: criteria provided, single submitter. Criteria: GeneDx Variant Classification Process June 2021. Collection method: clinical testing. Allele origin: germline. Affected: yes.
Comment: Not observed at significant frequency in large population cohorts (gnomAD); In silico analysis supports that this missense variant has a deleterious effect on protein structure/function; Has not been previously published as pathogenic or benign to our knowledge; This variant is associated with the following publications: (PMID: Fukui2011[Chapter])

Baylor Genetics
Classification: Uncertain significance for Lynch syndrome 4. Last evaluated: 2023-10-15. Review status: criteria provided, single submitter. Criteria: ACMG Guidelines, 2015. Collection method: clinical testing. Allele origin: unknown.

NM_000535.7(PMS2):c.2554C>T (p.His852Tyr)

Gene: PMS2 (PMS1 homolog 2, mismatch repair system component; minus strand). Cytogenetic location: 7p22.1.
Variant type: single nucleotide variant.
Coding change: c.2554C>T on transcript NM_000535.7 (MANE Select); coding-DNA position 2554, C replaced by T.
Protein change: p.His852Tyr; replaces histidine 852 with tyrosine.
Molecular consequence: missense variant. On other transcripts: non-coding transcript variant (1).
Genome position (GRCh38, 1-based): chr7:5,973,434, G>A on the plus strand (C>T on the coding strand, the complement: PMS2 is on the minus strand). VCF-style: chr7-5973434-G-A. GRCh37 (hg19) VCF-style: chr7-6013065-G-A.
Other names: c.2149C>T, p.His717Tyr (NM_001322003.2, NM_001322004.2, NM_001322005.2); c.2398C>T, p.His800Tyr (NM_001322006.2); c.2236C>T, p.His746Tyr (NM_001322007.2, NM_001322008.2); c.2182C>T, p.His728Tyr (NM_001322009.2); c.1993C>T, p.His665Tyr (NM_001322010.2); c.1621C>T, p.His541Tyr (NM_001322011.2, NM_001322012.2); c.1981C>T, p.His661Tyr (NM_001322013.2); c.2587C>T, p.His863Tyr (NM_001322014.2); and 1 more; short protein forms H852Y, H665Y, H717Y, H800Y, H863Y, H661Y, H728Y, H746Y.
Identifiers: ClinVar variation 455704 (VCV000455704.21), dbSNP rs754350493, ClinGen allele CA048839.